The following is an entry in ClinVar:

NM_022552.5(DNMT3A):c.1153C>G (p.Pro385Ala)

Gene: DNMT3A (DNA methyltransferase 3 alpha; minus strand). Cytogenetic location: 2p23.3.
Variant type: single nucleotide variant.
Coding change: c.1153C>G on transcript NM_022552.5 (MANE Select); coding-DNA position 1153, C replaced by G.
Protein change: p.Pro385Ala; replaces proline 385 with alanine.
Molecular consequence: missense variant. On other transcripts: non-coding transcript variant (1).
Genome position (GRCh38, 1-based): chr2:25,246,746, G>C on the plus strand (C>G on the coding strand, the complement: DNMT3A is on the minus strand). VCF-style: chr2-25246746-G-C. GRCh37 (hg19) VCF-style: chr2-25469615-G-C.
Other names: c.697C>G, p.Pro233Ala (NM_001320893.1); c.484C>G, p.Pro162Ala (NM_001375819.1); c.586C>G, p.Pro196Ala (NM_153759.3); c.1153C>G, p.Pro385Ala (NM_175629.2); short protein forms P162A, P196A, P385A, P233A.
Identifiers: ClinVar variation 4013943 (VCV004013943.1).
Genomic context (GRCh38, chr2:25,246,746, plus strand): 5'-GCTTGTTCTGCACCTCCACGGCCTTGGCAGTGTCACTCTCATCGCTGTCGTGGCACACCG[G>C]GAACAGCTTCCCCGCGCGGCTGCTGGCCACCTGGAGGGTGACACGCCAGGGTTGGGGTTG-3'
Protein context (NP_072046.2, residues 375-395): VASSRAGKLF[Pro385Ala]VCHDSDESDT

ClinVar aggregate classification (germline): Uncertain significance (1 of 4 stars; one submission).

Conditions:
Inborn genetic diseases. Identifiers: MedGen C0950123, MeSH D030342.

Submission:

Ambry Genetics
Classification: Uncertain significance for Inborn genetic diseases. Last evaluated: 2025-06-01. Review status: criteria provided, single submitter. Criteria: Ambry Variant Classification Scheme 2023. Collection method: clinical testing. Allele origin: germline.
Comment: The p.P385A variant (also known as c.1153C>G), located in coding exon 9 of the DNMT3A gene, results from a C to G substitution at nucleotide position 1153. The proline at codon 385 is replaced by alanine, an amino acid with highly similar properties. This amino acid position is conserved. In addition, this alteration is predicted to be tolerated by in silico analysis. Based on the available evidence, the clinical significance of this variant remains unclear.